The following is an entry in ClinVar:

ClinVar aggregate classification (germline): Uncertain significance (1 of 4 stars; one submission).

Conditions:
Hyperaldosteronism, familial, type IV (HALD4). Also called: FH IV; ALDOSTERONISM, PRIMARY, AND HYPERTENSION. Identifiers: Orphanet 642671, MedGen C4310756, MONDO:0014875, OMIM 617027.
Idiopathic generalized epilepsy. Also called: EIG; Generalised epilepsy. Identifiers: MedGen C0270850, MONDO:0005579, OMIM 600669.

Submission:

Labcorp Genetics (formerly Invitae), Labcorp
Classification: Uncertain significance for Idiopathic generalized epilepsy; Hyperaldosteronism, familial, type IV. Last evaluated: 2024-09-27. Review status: criteria provided, single submitter. Criteria: Invitae Variant Classification Sherloc (09022015). Collection method: clinical testing. Allele origin: germline.
Comment: This sequence change replaces glycine, which is neutral and non-polar, with alanine, which is neutral and non-polar, at codon 37 of the CACNA1H protein (p.Gly37Ala). This variant is not present in population databases (gnomAD no frequency). This variant has not been reported in the literature in individuals affected with CACNA1H-related conditions. Invitae Evidence Modeling of protein sequence and biophysical properties (such as structural, functional, and spatial information, amino acid conservation, physicochemical variation, residue mobility, and thermodynamic stability) indicates that this missense variant is not expected to disrupt CACNA1H protein function with a negative predictive value of 95%. In summary, the available evidence is currently insufficient to determine the role of this variant in disease. Therefore, it has been classified as a Variant of Uncertain Significance.

NM_021098.3(CACNA1H):c.110G>C (p.Gly37Ala)

Gene: CACNA1H (calcium voltage-gated channel subunit alpha1 H; plus strand). Cytogenetic location: 16p13.3.
Variant type: single nucleotide variant.
Coding change: c.110G>C on transcript NM_021098.3 (MANE Select); coding-DNA position 110, G replaced by C.
Protein change: p.Gly37Ala; replaces glycine 37 with alanine.
Molecular consequence: missense variant.
Genome position (GRCh38, 1-based): chr16:1,153,847, G>C. VCF-style: chr16-1153847-G-C. GRCh37 (hg19) VCF-style: chr16-1203847-G-C.
Other names: c.110G>C, p.Gly37Ala (NM_001005407.2); short protein forms G37A.
Identifiers: ClinVar variation 3754234 (VCV003754234.2).
Genomic context (GRCh38, chr16:1,153,847, plus strand): 5'-CGCCGCCCCCTGGCCCTGCGGCGTTGGTGGGGGCGTCCCCGGAGAGCCCCGGGGCGCCGG[G>C]ACGCGAGGCGGAGCGGGGGTCCGAGCTCGGCGTGTCACCCTCCGAGAGCCCGGCGGCCGA-3'
Protein context (NP_066921.2, residues 27-47): GASPESPGAP[Gly37Ala]REAERGSELG